The following is an entry in ClinVar:

NM_001006607.3(LRRC37A2):c.4495C>T (p.Arg1499Trp)

Genes: ARL17A (ARF like GTPase 17A; minus strand), LRRC37A2 (leucine rich repeat containing 37 member A2). Cytogenetic location: 17q21.31.
Variant type: single nucleotide variant.
Coding change: c.4495C>T on transcript NM_001006607.3 (MANE Select); coding-DNA position 4495, C replaced by T.
Protein change: p.Arg1499Trp; replaces arginine 1499 with tryptophan.
Molecular consequence: missense variant. On other transcripts: intron variant (6).
Genome position (GRCh38, 1-based): chr17:46,549,634, C>T. VCF-style: chr17-46549634-C-T. GRCh37 (hg19) VCF-style: chr17-44627000-C-T.
Other names: c.4495C>T, p.Arg1499Trp (NM_001385803.1); c.259+21125G>A (NM_001288812.1, NM_016632.2); c.260-20775G>A (NM_001288813.1); c.260-11208G>A (NM_001288811.1); c.260-1174G>A (NM_001330244.1); c.526-1174G>A (NM_001411134.1); short protein forms R1499W.
Identifiers: ClinVar variation 4859289 (VCV004859289.1).

ClinVar aggregate classification (germline): Uncertain significance (1 of 4 stars; one submission).

Submission:

Ambry Genetics
Classification: Uncertain significance. Last evaluated: 2026-04-20. Review status: criteria provided, single submitter. Criteria: Ambry Variant Classification Scheme 2023. Collection method: clinical testing. Allele origin: germline.
Comment: The c.4495C>T (p.R1499W) alteration is located in exon 9 (coding exon 9) of the LRRC37A2 gene. This alteration results from a C to T substitution at nucleotide position 4495, causing the arginine (R) at amino acid position 1499 to be replaced by a tryptophan (W). Based on data from gnomAD, the T allele has an overall frequency of 0.004% (2/55666) total alleles studied. The highest observed frequency was 0.019% (2/10578) of Latino alleles. Based on insufficient or conflicting evidence, the clinical significance of this alteration remains unclear.